The following is an entry in ClinVar:

ClinVar aggregate classification (germline): Pathogenic/Likely pathogenic. Review status: criteria provided, multiple submitters, no conflicts (2 of 4 stars). 2 submissions from 2 submitters: Pathogenic (1); Likely pathogenic (1). Last evaluated 2024-02-24.

Conditions:
Polycystic kidney disease 4 (PKD4). Also called: POLYCYSTIC KIDNEY DISEASE 4 WITH OR WITHOUT POLYCYSTIC LIVER DISEASE; POLYCYSTIC KIDNEY AND HEPATIC DISEASE 1; POLYCYSTIC KIDNEY DISEASE, INFANTILE, TYPE I; PKD3; Autosomal Recessive Polycystic Kidney Disease – PKHD1. Identifiers: MedGen C4540575, MONDO:0033004, OMIM 263200.
Autosomal recessive polycystic kidney disease (ARPKD). Also called: AR polycystic kidney disease. Identifiers: Orphanet 731, Orphanet 8378, MedGen C0085548, MeSH D017044, MONDO:0009889.

Submissions (2):

Fulgent Genetics
Classification: Likely pathogenic for Polycystic kidney disease 4. Last evaluated: 2024-02-24. Review status: criteria provided, single submitter. Criteria: ACMG Guidelines, 2015. Collection method: clinical testing. Allele origin: germline.

Labcorp Genetics (formerly Invitae), Labcorp
Classification: Pathogenic for Autosomal recessive polycystic kidney disease. Last evaluated: 2023-03-04. Review status: criteria provided, single submitter. Criteria: Invitae Variant Classification Sherloc (09022015). Collection method: clinical testing. Allele origin: germline.
Comment: This sequence change creates a premature translational stop signal (p.Ala2122Leufs*7) in the PKHD1 gene. It is expected to result in an absent or disrupted protein product. Loss-of-function variants in PKHD1 are known to be pathogenic (PMID: 19940839). This variant is not present in population databases (gnomAD no frequency). This variant has not been reported in the literature in individuals affected with PKHD1-related conditions. For these reasons, this variant has been classified as Pathogenic.

Literature cited by the submitters: PubMed 19940839 (cited by Labcorp Genetics (formerly Invitae), Labcorp).

NM_138694.4(PKHD1):c.6364del (p.Ala2122fs)

Gene: PKHD1 (PKHD1 ciliary IPT domain containing fibrocystin/polyductin; minus strand). Cytogenetic location: 6p12.2.
Variant type: Deletion.
Coding change: c.6364del on transcript NM_138694.4 (MANE Select); coding-DNA position 6364, one base deleted (G; older notation c.6364delG).
Protein change: p.Ala2122fs; shifts the reading frame from alanine 2122.
Molecular consequence: frameshift variant.
Genome position (GRCh38, 1-based): chr6:51,911,925, C deleted on the plus strand (G on the coding strand, the reverse complement: PKHD1 is on the minus strand); the first of 2 consecutive C bases (chr6:51,911,925-51,911,926); deleting either gives the same sequence. VCF-style (leftmost placement, unchanged base first): chr6-51911924-GC-G. GRCh37 (hg19) VCF-style: chr6-51776722-GC-G.
Other names: c.6364del, p.Ala2122fs (NM_170724.3); short protein forms A2122fs.
Identifiers: ClinVar variation 2834910 (VCV002834910.4), dbSNP rs2536668310, ClinGen allele CA2739273107.
Genomic context (GRCh38, chr6:51,911,924, plus strand): 5'-TGTATGGTAATACTCCTGCTGAGCAGAGCCACAGTGGCCTTTAAAATATGGTGCTCTCCA[GC>G]CACCCAATTCTCTGTAAAGTTGTGAGAATATCTGGAGAAAAAAAGAGGATGATAGAACTG-3'